The following is an entry in ClinVar:

ClinVar aggregate classification (germline): Pathogenic (1 of 4 stars; one submission).

Conditions:
Long QT syndrome (LQTS). Identifiers: MedGen C0023976, MeSH D008133, MONDO:0002442. Disease mechanism: loss of function. Inheritance: Various modes of inheritance.

Submission:

Labcorp Genetics (formerly Invitae), Labcorp
Classification: Pathogenic for Long QT syndrome. Last evaluated: 2022-05-14. Review status: criteria provided, single submitter. Criteria: Invitae Variant Classification Sherloc (09022015). Collection method: clinical testing. Allele origin: germline.
Comment: For these reasons, this variant has been classified as Pathogenic. This variant has not been reported in the literature in individuals affected with KCNH2-related conditions. This variant is not present in population databases (gnomAD no frequency). This sequence change creates a premature translational stop signal (p.Pro764Hisfs*47) in the KCNH2 gene. It is expected to result in an absent or disrupted protein product. Loss-of-function variants in KCNH2 are known to be pathogenic (PMID: 10973849, 19862833).

Literature cited by the submitters: PubMed 10973849; PubMed 19862833.

NM_000238.4(KCNH2):c.2289_2290dup (p.Pro764fs)

Gene: KCNH2 (potassium voltage-gated channel subfamily H member 2; minus strand). Cytogenetic location: 7q36.1.
Variant type: Duplication.
Coding change: c.2289_2290dup on transcript NM_000238.4 (MANE Select); coding-DNA positions 2289 to 2290, 2 bases duplicated (AC; older notation c.2289_2290dupAC).
Protein change: p.Pro764fs; shifts the reading frame from proline 764.
Molecular consequence: frameshift variant.
Genome position (GRCh38, 1-based): chr7:150,950,276-150,950,277, GT duplicated on the plus strand (AC on the coding strand, the reverse complement: KCNH2 is on the minus strand); duplicating any 2 consecutive bases within chr7:150,950,276-150,950,278 gives the same sequence; the c. name uses the placement nearest the transcript's 3' end. VCF-style (leftmost placement, unchanged base first): chr7-150950275-G-GGT. GRCh37 (hg19) VCF-style: chr7-150647363-G-GGT.
Other names: c.1269_1270dup, p.Pro424fs (NM_001204798.2, NM_172057.3); c.2000_2001dup, p.Pro668Hisfs (NM_001406753.1, NM_001406756.1); c.2111_2112dup, p.Pro705Hisfs (NM_001406755.1); c.1988_1989dup, p.Pro664Hisfs (NM_001406757.1); c.2288_2289dup, p.Pro764Hisfs (NM_172056.3); short protein forms P424fs, P764fs.
Identifiers: ClinVar variation 1994292 (VCV001994292.4), dbSNP rs2486025628, ClinGen allele CA2580077791.
Genomic context (GRCh38, chr7:150,950,275, plus strand): 5'-CGGGAGATGAAGTACAGGGCGGTGAGCAGGTCCCCAGCATGCACCAGTGTGTCCCCTGGC[G>GGT]GTGCATGTGTGGTCTTGAACTTCATGGCCAGGGCCCGAAGGCAGCCCTTGGTGGCCCCTC-3'